The following is an entry in ClinVar:

NM_030624.3(KLHL15):c.1138T>C (p.Phe380Leu)

Gene: KLHL15 (kelch like family member 15; minus strand). Cytogenetic location: Xp22.11.
Variant type: single nucleotide variant.
Coding change: c.1138T>C on transcript NM_030624.3 (MANE Select); coding-DNA position 1138, T replaced by C.
Protein change: p.Phe380Leu; replaces phenylalanine 380 with leucine.
Molecular consequence: missense variant.
Genome position (GRCh38, 1-based): chrX:23,988,598, A>G on the plus strand (T>C on the coding strand, the complement: KLHL15 is on the minus strand). VCF-style: chrX-23988598-A-G. GRCh37 (hg19) VCF-style: chrX-24006715-A-G.
Other names: short protein forms F380L.
Identifiers: ClinVar variation 3897137 (VCV003897137.1).
Genomic context (GRCh38, chrX:23,988,598, plus strand): 5'-CATATCTCTCAGTTGAATAGAAAGTCTCATCTCTGGTTCTGCCTGCTACGGCGTAAATAA[A>G]CTTCCCAATAACACCTACAGCAAATTCAGAGCGTGGTACAGACATATCTGCCATCTGCAG-3'
Protein context (NP_085127.2, residues 370-390): SEFAVGVIGK[Phe380Leu]IYAVAGRTRD

ClinVar aggregate classification (germline): Uncertain significance (1 of 4 stars; one submission).

Submission:

GeneDx
Classification: Uncertain significance. Last evaluated: 2024-11-04. Review status: criteria provided, single submitter. Criteria: GeneDx Variant Classification Process June 2021. Collection method: clinical testing. Allele origin: germline. Affected: yes.
Comment: Not observed at significant frequency in large population cohorts (gnomAD); In silico analysis indicates that this missense variant does not alter protein structure/function; Has not been previously published as pathogenic or benign to our knowledge